The following is an entry in ClinVar:

ClinVar aggregate classification (germline): Uncertain significance (1 of 4 stars; one submission).

Conditions:
Infantile-onset ascending hereditary spastic paralysis (IAHSP). Also called: Autosomal Recessive Juvenile Amyotrophic Lateral Sclerosis; Infantile-Onset Ascending Hereditary Spastic Paralysis (IAHSP). Identifiers: Orphanet 293168, MedGen C2931441, MONDO:0011797, OMIM 607225. Disease mechanism: loss of function.

Allele frequency attached by ClinVar (database versions not stated): gnomAD exomes below 0.00001.

Submission:

Labcorp Genetics (formerly Invitae), Labcorp
Classification: Uncertain significance for Infantile-onset ascending hereditary spastic paralysis. Last evaluated: 2021-06-02. Review status: criteria provided, single submitter. Criteria: Invitae Variant Classification Sherloc (09022015). Collection method: clinical testing. Allele origin: germline.
Comment: This sequence change falls in intron 30 of the ALS2 gene. It does not directly change the encoded amino acid sequence of the ALS2 protein. It affects a nucleotide within the consensus splice site of the intron. This variant is not present in population databases (ExAC no frequency). This variant has not been reported in the literature in individuals with ALS2-related conditions. Nucleotide substitutions within the consensus splice site are a relatively common cause of aberrant splicing (PMID: 17576681, 9536098). Algorithms developed to predict the effect of sequence changes on RNA splicing suggest that this variant is not likely to affect RNA splicing, but this prediction has not been confirmed by published transcriptional studies. In summary, the available evidence is currently insufficient to determine the role of this variant in disease. Therefore, it has been classified as a Variant of Uncertain Significance.

Literature cited by the submitters: PubMed 17576681; PubMed 9536098.

NM_020919.4(ALS2):c.4626+6G>A

Gene: ALS2 (alsin Rho guanine nucleotide exchange factor ALS2; minus strand). Cytogenetic location: 2q33.1.
Variant type: single nucleotide variant.
Coding change: c.4626+6G>A on transcript NM_020919.4 (MANE Select); 6 bases into the intron after coding-DNA position 4626, G replaced by A.
Molecular consequence: intron variant.
Genome position (GRCh38, 1-based): chr2:201,705,410, C>T on the plus strand (G>A on the coding strand, the complement: ALS2 is on the minus strand). VCF-style: chr2-201705410-C-T. GRCh37 (hg19) VCF-style: chr2-202570133-C-T.
Identifiers: ClinVar variation 1357858 (VCV001357858.6), dbSNP rs931003947, ClinGen allele CA63978253.